The following is an entry in ClinVar:

NM_001267550.2(TTN):c.40409-2A>C

Gene: TTN (titin; minus strand). Cytogenetic location: 2q31.2.
Variant type: single nucleotide variant.
Coding change: c.40409-2A>C on transcript NM_001267550.2 (MANE Select); the canonical splice acceptor site of the intron before coding-DNA position 40409, A replaced by C.
Molecular consequence: splice acceptor variant. On other transcripts: intron variant (3).
Genome position (GRCh38, 1-based): chr2:178,644,618, T>G on the plus strand (A>C on the coding strand, the complement: TTN is on the minus strand). VCF-style: chr2-178644618-T-G. GRCh37 (hg19) VCF-style: chr2-179509345-T-G.
Other names: c.13283-2301A>C (NM_003319.4); c.13859-2301A>C (NM_133437.4); c.13658-2301A>C (NM_133432.3); c.32705-2A>C (NM_133378.4); c.35486-2A>C (NM_001256850.1).
Identifiers: ClinVar variation 577492 (VCV000577492.9), dbSNP rs1560046529, ClinGen allele CA349438470.
Genomic context (GRCh38, chr2:178,644,618, plus strand): 5'-TGTAAGCTCCACTTTTTCTGGAACCTGAGGTTTTTCAGGAACTTTCTTCTTTGGAATAGC[T>G]TTAAAGAATATGATTTTACTTTTGTTATTTGTATATTTAATCTGAAGCAAGTGATTAACT-3'

ClinVar aggregate classification (germline): Pathogenic (1 of 4 stars; one submission).

Conditions:
Autosomal recessive limb-girdle muscular dystrophy type 2J (LGMDR10). Also called: Limb-girdle muscular dystrophy, type 2J; MUSCULAR DYSTROPHY, LIMB-GIRDLE, AUTOSOMAL RECESSIVE 10. Identifiers: Orphanet 140922, MedGen C1837342, MONDO:0012127, OMIM 608807.
Dilated cardiomyopathy 1G (CMD1G). Identifiers: Orphanet 154, MedGen C1858763, MONDO:0011400, OMIM 604145.

Allele frequency attached by ClinVar (database versions not stated): gnomAD exomes below 0.00001.

Submission:

Labcorp Genetics (formerly Invitae), Labcorp
Classification: Pathogenic for Dilated cardiomyopathy 1G; Autosomal recessive limb-girdle muscular dystrophy type 2J. Last evaluated: 2024-01-02. Review status: criteria provided, single submitter. Criteria: Invitae Variant Classification Sherloc (09022015). Collection method: clinical testing. Allele origin: germline.
Comment: This sequence change affects an acceptor splice site in intron 217 of the TTN gene. It is expected to disrupt RNA splicing and likely results in a truncated or disrupted TTN protein. This variant is not present in population databases (gnomAD no frequency). Disruption of this splice site has been observed in individual(s) with autosomal recessive congenital myopathy (Invitae). In at least one individual the data is consistent with being in trans (on the opposite chromosome) from a pathogenic variant. ClinVar contains an entry for this variant (Variation ID: 577492). Algorithms developed to predict the effect of sequence changes on RNA splicing suggest that this variant may disrupt the consensus splice site. This variant is located in the I band of TTN (PMID: 25589632). Truncating variants in this region have been reported in individuals affected with autosomal recessive centronuclear myopathy (PMID: 23975875, Invitae internal data). Truncating variants in this region have also been identified in individuals affected with autosomal dominant dilated cardiomyopathy and/or cardio-related conditions (PMID: 27869827, 32964742, Invitae internal data). For these reasons, this variant has been classified as Pathogenic.

Literature cited by the submitters: PubMed 25589632; PubMed 23975875; PubMed 27869827; PubMed 32964742.